The following is an entry in ClinVar:

NM_001384140.1(PCDH15):c.1471G>A (p.Glu491Lys)

Gene: PCDH15 (protocadherin related 15; minus strand). Cytogenetic location: 10q21.1.
Variant type: single nucleotide variant.
Coding change: c.1471G>A on transcript NM_001384140.1 (MANE Select); coding-DNA position 1471, G replaced by A.
Protein change: p.Glu491Lys; replaces glutamic acid 491 with lysine.
Molecular consequence: missense variant.
Genome position (GRCh38, 1-based): chr10:54,183,563, C>T on the plus strand (G>A on the coding strand, the complement: PCDH15 is on the minus strand). VCF-style: chr10-54183563-C-T. GRCh37 (hg19) VCF-style: chr10-55943323-C-T.
Other names: c.1486G>A, p.Glu496Lys (NM_001142763.2, NM_001142771.2); c.1471G>A, p.Glu491Lys (NM_001142764.2, NM_001142765.2, NM_001142766.2 and 6 more transcripts); c.1360G>A, p.Glu454Lys (NM_001142767.2); c.1405G>A, p.Glu469Lys (NM_001142768.2, NM_001142773.2, NM_001354404.2); c.1507G>A, p.Glu503Lys (NM_001142769.4); c.1492G>A, p.Glu498Lys (NM_001354411.2); short protein forms E503K, E491K, E496K, E498K, E454K, E469K.
Identifiers: ClinVar variation 1950451 (VCV001950451.2), dbSNP rs1244912336, ClinGen allele CA376514705.
Genomic context (GRCh38, chr10:54,183,563, plus strand): 5'-CAGGGAAGGTTGGCGTGTTATCATTTGCATCCATCACTTGAATATTGACGATGACTGGCT[C>T]ACTTTCTTGTACACCATCAAATGCTGTTATCTTTGGGAGGAGAAAAATACACTTAGTAGA-3'
Protein context (NP_001371069.1, residues 481-501): ITAFDGVQES[Glu491Lys]PVIVNIQVMD

ClinVar aggregate classification (germline): Uncertain significance (1 of 4 stars; one submission).

Allele frequency attached by ClinVar (database versions not stated): gnomAD exomes below 0.00001; gnomAD 0.00001.
gnomAD v4.1: 5 of 1,613,832 alleles (0.00031%); highest among the groups gnomAD compares: Non-Finnish European, 0.00034%; no homozygotes.

Submission:

Labcorp Genetics (formerly Invitae), Labcorp
Classification: Uncertain significance. Last evaluated: 2022-04-25. Review status: criteria provided, single submitter. Criteria: Invitae Variant Classification Sherloc (09022015). Collection method: clinical testing. Allele origin: germline.
Comment: This sequence change replaces glutamic acid, which is acidic and polar, with lysine, which is basic and polar, at codon 491 of the PCDH15 protein (p.Glu491Lys). This variant is present in population databases (no rsID available, gnomAD 0.03%). This variant has not been reported in the literature in individuals affected with PCDH15-related conditions. Algorithms developed to predict the effect of missense changes on protein structure and function output the following: SIFT: "Tolerated"; PolyPhen-2: "Benign"; Align-GVGD: "Class C0". The lysine amino acid residue is found in multiple mammalian species, which suggests that this missense change does not adversely affect protein function. In summary, the available evidence is currently insufficient to determine the role of this variant in disease. Therefore, it has been classified as a Variant of Uncertain Significance.